The following is an entry in ClinVar:

NM_019851.3(FGF20):c.232C>G (p.Gln78Glu)

Gene: FGF20 (fibroblast growth factor 20; minus strand). Cytogenetic location: 8p22.
Variant type: single nucleotide variant.
Coding change: c.232C>G on transcript NM_019851.3 (MANE Select); coding-DNA position 232, C replaced by G.
Protein change: p.Gln78Glu; replaces glutamine 78 with glutamic acid.
Molecular consequence: missense variant.
Genome position (GRCh38, 1-based): chr8:17,001,801, G>C on the plus strand (C>G on the coding strand, the complement: FGF20 is on the minus strand). VCF-style: chr8-17001801-G-C. GRCh37 (hg19) VCF-style: chr8-16859310-G-C.
Other names: short protein forms Q78E.
Identifiers: ClinVar variation 3041324 (VCV003041324.2), dbSNP rs112951749, ClinGen allele CA172914783.

ClinVar aggregate classification (germline): Likely benign (0 of 4 stars; one submission).

Conditions:
FGF20-related disorder. Also called: FGF20-related condition.

Submission:

PreventionGenetics, part of Exact Sciences
Classification: Likely benign for FGF20-related condition. Last evaluated: 2020-03-03. Review status: no assertion criteria provided. Collection method: clinical testing. Allele origin: germline.
Comment: This variant is classified as likely benign based on ACMG/AMP sequence variant interpretation guidelines (Richards et al. 2015 PMID: 25741868, with internal and published modifications).